The following is an entry in ClinVar:

ClinVar aggregate classification (germline): Uncertain significance (1 of 4 stars; one submission).

Conditions:
Catecholaminergic polymorphic ventricular tachycardia 1. Also called: VENTRICULAR TACHYCARDIA, CATECHOLAMINERGIC POLYMORPHIC, 1, WITH OR WITHOUT ATRIAL DYSFUNCTION AND/OR DILATED CARDIOMYOPATHY; RYR2-Related Catecholaminergic Polymorphic Ventricular Tachycardia; VENTRICULAR TACHYCARDIA, STRESS-INDUCED POLYMORPHIC 1. Identifiers: Orphanet 3286, MedGen C1631597, MONDO:0011484, OMIM 604772.

Submission:

Labcorp Genetics (formerly Invitae), Labcorp
Classification: Uncertain significance for Catecholaminergic polymorphic ventricular tachycardia 1. Last evaluated: 2022-05-14. Review status: criteria provided, single submitter. Criteria: Invitae Variant Classification Sherloc (09022015). Collection method: clinical testing. Allele origin: germline.
Comment: This variant has not been reported in the literature in individuals affected with RYR2-related conditions. This variant is a gross deletion of the genomic region encompassing exon(s) 101 of the RYR2 gene. This deletion is out-of-frame, and is expected to create a premature translational stop signal and result in an absent or disrupted protein product. However, the current clinical and genetic evidence is not sufficient to establish whether loss-of-function variants in RYR2 cause disease. In summary, the available evidence is currently insufficient to determine the role of this variant in disease. Therefore, it has been classified as a Variant of Uncertain Significance.

NC_000001.10:g.(?_237982316)_(237982512_?)del

Gene: RYR2 (ryanodine receptor 2; plus strand). Cytogenetic location: 1q43.
Variant type: Deletion.
Identifiers: ClinVar variation 2423524 (VCV002423524.4).